The following is an entry in ClinVar:

NM_001134363.3(RBM20):c.434G>A (p.Gly145Asp)

Gene: RBM20 (RNA binding motif protein 20; plus strand). Cytogenetic location: 10q25.2.
Variant type: single nucleotide variant.
Coding change: c.434G>A on transcript NM_001134363.3 (MANE Select); coding-DNA position 434, G replaced by A.
Protein change: p.Gly145Asp; replaces glycine 145 with aspartic acid.
Molecular consequence: missense variant.
Genome position (GRCh38, 1-based): chr10:110,781,043, G>A. VCF-style: chr10-110781043-G-A. GRCh37 (hg19) VCF-style: chr10-112540801-G-A.
Other names: short protein forms G145D.
Identifiers: ClinVar variation 411655 (VCV000411655.11), dbSNP rs1060503413, ClinGen allele CA16612996.

ClinVar aggregate classification (germline): Uncertain significance. Review status: criteria provided, multiple submitters, no conflicts (2 of 4 stars). 3 submissions from 3 submitters: Uncertain significance (3). Last evaluated 2025-09-08.

Conditions:
Cardiovascular phenotype. Identifiers: MedGen CN230736.
Dilated cardiomyopathy 1DD (CMD1DD). Identifiers: Orphanet 154, MedGen C2750995, MONDO:0013168, OMIM 613172.

Allele frequency attached by ClinVar (database versions not stated): gnomAD 0.00001; TOPMed 0.00001.
gnomAD v4.1: 6 of 1,551,718 alleles (0.00039%); highest among the groups gnomAD compares: African/African-American, 0.0014%; no homozygotes.

Submissions (3):

Labcorp Genetics (formerly Invitae), Labcorp
Classification: Uncertain significance for Dilated cardiomyopathy 1DD. Last evaluated: 2025-09-08. Review status: criteria provided, single submitter. Criteria: Invitae Variant Classification Sherloc (09022015). Collection method: clinical testing. Allele origin: germline.
Comment: This sequence change replaces glycine, which is neutral and non-polar, with aspartic acid, which is acidic and polar, at codon 145 of the RBM20 protein (p.Gly145Asp). The frequency data for this variant in the population databases is considered unreliable, as metrics indicate poor data quality at this position in the gnomAD database. This variant has not been reported in the literature in individuals affected with RBM20-related conditions. ClinVar contains an entry for this variant (Variation ID: 411655). Invitae Evidence Modeling of protein sequence and biophysical properties (such as structural, functional, and spatial information, amino acid conservation, physicochemical variation, residue mobility, and thermodynamic stability) indicates that this missense variant is not expected to disrupt RBM20 protein function with a negative predictive value of 95%. In summary, the available evidence is currently insufficient to determine the role of this variant in disease. Therefore, it has been classified as a Variant of Uncertain Significance.

Fulgent Genetics
Classification: Uncertain significance for Dilated cardiomyopathy 1DD. Last evaluated: 2022-04-18. Review status: criteria provided, single submitter. Criteria: ACMG Guidelines, 2015. Collection method: clinical testing. Allele origin: unknown.

Ambry Genetics
Classification: Uncertain significance for Cardiovascular phenotype. Last evaluated: 2021-05-01. Review status: criteria provided, single submitter. Criteria: Ambry Variant Classification Scheme 2023. Collection method: clinical testing. Allele origin: germline.
Comment: The p.G145D variant (also known as c.434G>A), located in coding exon 2 of the RBM20 gene, results from a G to A substitution at nucleotide position 434. The glycine at codon 145 is replaced by aspartic acid, an amino acid with similar properties. This amino acid position is poorly conserved in available vertebrate species. In addition, this alteration is predicted to be tolerated by in silico analysis. Since supporting evidence is limited at this time, the clinical significance of this alteration remains unclear.